The following is an entry in ClinVar:

ClinVar aggregate classification (germline): Uncertain significance. Review status: criteria provided, multiple submitters, no conflicts (2 of 4 stars). 2 submissions from 2 submitters: Uncertain significance (2). Last evaluated 2025-05-05.

Conditions:
Progressive encephalopathy with leukodystrophy due to DECR deficiency. Identifiers: Orphanet 431361, MedGen C1857252, MONDO:0014464, OMIM 616034.
Inborn genetic diseases. Identifiers: MedGen C0950123, MeSH D030342.

Allele frequency attached by ClinVar (database versions not stated): gnomAD 0.00006; TOPMed 0.00006; ExAC 0.00013; ESP Exome Variant Server 0.00015.
gnomAD v4.1: 146 of 1,613,650 alleles (0.009%); highest among the groups gnomAD compares: South Asian, 0.013%; no homozygotes.

Submissions (2):

Labcorp Genetics (formerly Invitae), Labcorp
Classification: Uncertain significance for Progressive encephalopathy with leukodystrophy due to DECR deficiency. Last evaluated: 2025-05-05. Review status: criteria provided, single submitter. Criteria: Invitae Variant Classification Sherloc (09022015). Collection method: clinical testing. Allele origin: germline.
Comment: This sequence change replaces isoleucine, which is neutral and non-polar, with valine, which is neutral and non-polar, at codon 424 of the NADK2 protein (p.Ile424Val). This variant is present in population databases (rs138382380, gnomAD 0.02%). This variant has not been reported in the literature in individuals affected with NADK2-related conditions. ClinVar contains an entry for this variant (Variation ID: 959061). Invitae Evidence Modeling of protein sequence and biophysical properties (such as structural, functional, and spatial information, amino acid conservation, physicochemical variation, residue mobility, and thermodynamic stability) indicates that this missense variant is not expected to disrupt NADK2 protein function with a negative predictive value of 80%. In summary, the available evidence is currently insufficient to determine the role of this variant in disease. Therefore, it has been classified as a Variant of Uncertain Significance.

Ambry Genetics
Classification: Uncertain significance for Inborn genetic diseases. Last evaluated: 2024-12-13. Review status: criteria provided, single submitter. Criteria: Ambry Variant Classification Scheme 2023. Collection method: clinical testing. Allele origin: germline.

NM_001085411.3(NADK2):c.1270A>G (p.Ile424Val)

Gene: NADK2 (NAD kinase 2, mitochondrial; minus strand). Cytogenetic location: 5p13.2.
Variant type: single nucleotide variant.
Coding change: c.1270A>G on transcript NM_001085411.3 (MANE Select); coding-DNA position 1270, A replaced by G.
Protein change: p.Ile424Val; replaces isoleucine 424 with valine.
Molecular consequence: missense variant.
Genome position (GRCh38, 1-based): chr5:36,195,203, T>C on the plus strand (A>G on the coding strand, the complement: NADK2 is on the minus strand). VCF-style: chr5-36195203-T-C. GRCh37 (hg19) VCF-style: chr5-36195305-T-C.
Other names: c.1270A>G (NM_001085411.1); c.781A>G, p.Ile261Val (NM_001287340.2, NM_153013.5); c.847A>G, p.Ile283Val (NM_001287341.2); short protein forms I261V, I424V, I283V.
Identifiers: ClinVar variation 959061 (VCV000959061.8), dbSNP rs138382380, ClinGen allele CA3234462.